The following is an entry in ClinVar:

ClinVar aggregate classification (germline): Conflicting classifications of pathogenicity. Review status: criteria provided, conflicting classifications (1 of 4 stars). 5 submissions from 5 submitters: Uncertain significance (1); Likely benign (3). 1 of the submissions does not count toward it. Last evaluated 2025-10-29.

Conditions:
Duane-radial ray syndrome (DRRS). Also called: ACRORENOOCULAR SYNDROME; DR SYNDROME; DUANE ANOMALY WITH RADIAL RAY ABNORMALITIES AND DEAFNESS; Okihiro Syndrome; Duane-Radial Ray Syndrome/Okihiro Syndrome; Duane-Radial Ray Syndrome (DRRS) / Okihiro Syndrome. Identifiers: Orphanet 93293, Orphanet 959, MedGen C1623209, MONDO:0011812, OMIM 607323. Disease mechanism: gain of function.
SALL4-Related Disorders. Also called: SALL4-related disorder; SALL4-related condition. Identifiers: MedGen CN381056.

Allele frequency attached by ClinVar (database versions not stated): gnomAD exomes 0.00006 and 0.00013; ExAC 0.00014; TOPMed 0.00051; gnomAD 0.00052 and 0.00056; 1000 Genomes Project 0.00060; 1000 Genomes Project 30x 0.00062; ESP Exome Variant Server 0.00077.
gnomAD v4.1: 167 of 1,614,096 alleles (0.01%); highest among the groups gnomAD compares: African/African-American, 0.17%; no homozygotes.

Submissions (5):

Labcorp Genetics (formerly Invitae), Labcorp
Classification: Likely benign for Duane-radial ray syndrome. Last evaluated: 2025-10-29. Review status: criteria provided, single submitter. Criteria: Invitae Variant Classification Sherloc (09022015). Collection method: clinical testing. Allele origin: germline.

Blueprint Genetics
Classification: Likely benign. Last evaluated: 2024-08-16. Review status: criteria provided, single submitter. Criteria: ACMG Guidelines, 2015. Collection method: clinical testing. Allele origin: germline.

Dubai Health Genomic Medicine Center, Dubai Health
Classification: Likely benign for Duane-radial ray syndrome. Last evaluated: 2021-02-16. Review status: criteria provided, single submitter. Criteria: ACMG Guidelines, 2015. Collection method: clinical testing. Allele origin: germline. Affected: yes.

Eurofins Ntd Llc (ga)
Classification: Uncertain significance. Last evaluated: 2017-01-04. Review status: criteria provided, single submitter. Criteria: EGL Classification Definitions 2015. Collection method: clinical testing. Allele origin: germline. Observed: 1 variant allele, 1 heterozygote.

PreventionGenetics, part of Exact Sciences
Classification: Likely benign for SALL4-related condition. Last evaluated: 2023-04-10. Review status: no assertion criteria provided. Collection method: clinical testing. Allele origin: germline. Not counted in ClinVar's aggregate classification.
Comment: This variant is classified as likely benign based on ACMG/AMP sequence variant interpretation guidelines (Richards et al. 2015 PMID: 25741868, with internal and published modifications).

NM_020436.5(SALL4):c.2041G>A (p.Ala681Thr)

Gene: SALL4 (spalt like transcription factor 4; minus strand). Cytogenetic location: 20q13.2.
Variant type: single nucleotide variant.
Coding change: c.2041G>A on transcript NM_020436.5 (MANE Select); coding-DNA position 2041, G replaced by A.
Protein change: p.Ala681Thr; replaces alanine 681 with threonine.
Molecular consequence: missense variant. On other transcripts: intron variant (1).
Genome position (GRCh38, 1-based): chr20:51,790,442, C>T on the plus strand (G>A on the coding strand, the complement: SALL4 is on the minus strand). VCF-style: chr20-51790442-C-T. GRCh37 (hg19) VCF-style: chr20-50406981-C-T.
Other names: c.2041G>A (NM_020436.4); c.1150+891G>A (NM_001318031.2); short protein forms A681T.
Identifiers: ClinVar variation 498780 (VCV000498780.11), dbSNP rs147385529, ClinGen allele CA9912184.